The following is an entry in ClinVar:

NM_033266.4(ERN2):c.715G>A (p.Gly239Ser)

Gene: ERN2 (endoplasmic reticulum to nucleus signaling 2; minus strand). Cytogenetic location: 16p12.2.
Variant type: single nucleotide variant.
Coding change: c.715G>A on transcript NM_033266.4 (MANE Select); coding-DNA position 715, G replaced by A.
Protein change: p.Gly239Ser; replaces glycine 239 with serine.
Molecular consequence: missense variant.
Genome position (GRCh38, 1-based): chr16:23,705,022, C>T on the plus strand (G>A on the coding strand, the complement: ERN2 is on the minus strand). VCF-style: chr16-23705022-C-T. GRCh37 (hg19) VCF-style: chr16-23716343-C-T.
Other names: c.715G>A, p.Gly239Ser (NM_001308220.2); short protein forms G239S.
Identifiers: ClinVar variation 2646329 (VCV002646329.24), dbSNP rs761777412, ClinGen allele CA7965430.

ClinVar aggregate classification (germline): Likely benign (1 of 4 stars; one submission).

Allele frequency attached by ClinVar (database versions not stated): ExAC 0.00002; gnomAD 0.00005; TOPMed 0.00006.
gnomAD v4.1: 58 of 1,613,944 alleles (0.0036%); highest among the groups gnomAD compares: African/African-American, 0.0093%; no homozygotes.

Submission:

CeGaT Center for Human Genetics Tuebingen
Classification: Likely benign. Last evaluated: 2023-09-01. Review status: criteria provided, single submitter. Criteria: CeGaT Center For Human Genetics Tuebingen Variant Classification Criteria Version 2. Collection method: clinical testing. Allele origin: germline. Affected: yes. Observed: 1 variant allele.
Comment: ERN2: BP4